The following is an entry in ClinVar:

ClinVar aggregate classification (germline): Uncertain significance (1 of 4 stars; one submission).

Submission:

Labcorp Genetics (formerly Invitae), Labcorp
Classification: Uncertain significance. Last evaluated: 2025-02-03. Review status: criteria provided, single submitter. Criteria: Invitae Variant Classification Sherloc (09022015). Collection method: clinical testing. Allele origin: germline.
Comment: This sequence change replaces aspartic acid, which is acidic and polar, with glutamic acid, which is acidic and polar, at codon 334 of the NIN protein (p.Asp334Glu). This variant is not present in population databases (gnomAD no frequency). This variant has not been reported in the literature in individuals affected with NIN-related conditions. An algorithm developed to predict the effect of missense changes on protein structure and function (PolyPhen-2) suggests that this variant is likely to be disruptive. In summary, the available evidence is currently insufficient to determine the role of this variant in disease. Therefore, it has been classified as a Variant of Uncertain Significance.

NM_020921.4(NIN):c.1002T>A (p.Asp334Glu)

Gene: NIN (ninein; minus strand). Cytogenetic location: 14q22.1.
Variant type: single nucleotide variant.
Coding change: c.1002T>A on transcript NM_020921.4 (MANE Select); coding-DNA position 1002, T replaced by A.
Protein change: p.Asp334Glu; replaces aspartic acid 334 with glutamic acid.
Molecular consequence: missense variant.
Genome position (GRCh38, 1-based): chr14:50,771,448, A>T on the plus strand (T>A on the coding strand, the complement: NIN is on the minus strand). VCF-style: chr14-50771448-A-T. GRCh37 (hg19) VCF-style: chr14-51238166-A-T.
Other names: c.1002T>A, p.Asp334Glu (NM_016350.5, NM_182944.3, NM_182946.2); short protein forms D334E.
Identifiers: ClinVar variation 4742907 (VCV004742907.1).